The following is an entry in ClinVar:

NM_032208.3(ANTXR1):c.1434+1G>A

Gene: ANTXR1 (ANTXR cell adhesion molecule 1; plus strand). Cytogenetic location: 2p13.3.
Variant type: single nucleotide variant.
Coding change: c.1434+1G>A on transcript NM_032208.3 (MANE Select); the canonical splice donor site of the intron after coding-DNA position 1434, G replaced by A.
Molecular consequence: splice donor variant.
Genome position (GRCh38, 1-based): chr2:69,193,416, G>A. VCF-style: chr2-69193416-G-A. GRCh37 (hg19) VCF-style: chr2-69420548-G-A.
Identifiers: ClinVar variation 2664849 (VCV002664849.1), dbSNP rs2467491761, ClinGen allele CA347134258.

ClinVar aggregate classification (germline): Likely pathogenic (1 of 4 stars; one submission).

Conditions:
GAPO syndrome. Identifiers: Orphanet 2067, MedGen C0406723, MONDO:0009263, OMIM 230740.

Submission:

Genetics and Molecular Pathology, SA Pathology
Classification: Likely pathogenic for GAPO syndrome. Last evaluated: 2022-11-11. Review status: criteria provided, single submitter. Criteria: ACMG Guidelines, 2015. Collection method: clinical testing. Allele origin: germline. Inheritance: Autosomal recessive inheritance. Affected: yes.
Comment: The ANTXR1 c.1434+1G>A variant is classified as a LIKELY PATHOGENIC variant (PVS1, PM2) This variant is a single nucleotide change from a guanine to an adenine at position 1434+1 in intron 17/17 of the ANTXR1 gene. This variant is located in a splice donor region. Computational predictions support a deleterious effect on splicing and a likely disruption of the protein reading frame and non-sense mediated decay of the resulting protein product (PVS1). This variant has not been rported in dbSNP and is absent from population databases (PM2). This variant has not been reported in the ClinVar or HGMD disease databases.